The following is an entry in ClinVar:

NM_000186.4(CFH):c.1258T>C (p.Tyr420His)

Gene: CFH (complement factor H; plus strand). Cytogenetic location: 1q31.3.
Variant type: single nucleotide variant.
Coding change: c.1258T>C on transcript NM_000186.4 (MANE Select); coding-DNA position 1258, T replaced by C.
Protein change: p.Tyr420His; replaces tyrosine 420 with histidine.
Molecular consequence: missense variant.
Genome position (GRCh38, 1-based): chr1:196,690,161, T>C. VCF-style: chr1-196690161-T-C. GRCh37 (hg19) VCF-style: chr1-196659291-T-C.
Other names: c.1258T>C, p.Tyr420His (NM_001014975.3); short protein forms Y420H.
Identifiers: ClinVar variation 2983085 (VCV002983085.3), dbSNP rs533690818, ClinGen allele CA1305291.

ClinVar aggregate classification (germline): Uncertain significance (1 of 4 stars; one submission).

Allele frequency attached by ClinVar (database versions not stated): ExAC 0.00001; TOPMed 0.00003; 1000 Genomes Project 0.00020; gnomAD exomes 0.00001; 1000 Genomes Project 30x 0.00016; gnomAD 0.00004.
gnomAD v4.1: 10 of 1,613,468 alleles (0.00062%); highest among the groups gnomAD compares: African/African-American, 0.013%; no homozygotes.

Submission:

Labcorp Genetics (formerly Invitae), Labcorp
Classification: Uncertain significance. Last evaluated: 2025-02-27. Review status: criteria provided, single submitter. Criteria: Invitae Variant Classification Sherloc (09022015). Collection method: clinical testing. Allele origin: germline.
Comment: This sequence change replaces tyrosine, which is neutral and polar, with histidine, which is basic and polar, at codon 420 of the CFH protein (p.Tyr420His). This variant is present in population databases (rs533690818, gnomAD 0.02%). This variant has not been reported in the literature in individuals affected with CFH-related conditions. ClinVar contains an entry for this variant (Variation ID: 2983085). An algorithm developed to predict the effect of missense changes on protein structure and function outputs the following: PolyPhen-2: "Possibly Damaging". The histidine amino acid residue is found in multiple mammalian species, which suggests that this missense change does not adversely affect protein function. In summary, the available evidence is currently insufficient to determine the role of this variant in disease. Therefore, it has been classified as a Variant of Uncertain Significance.